The following is an entry in ClinVar:

ClinVar aggregate classification (germline): Uncertain significance (1 of 4 stars; one submission).

Conditions:
Cardiovascular phenotype. Identifiers: MedGen CN230736.

Submission:

Ambry Genetics
Classification: Uncertain significance for Cardiovascular phenotype. Last evaluated: 2021-10-13. Review status: criteria provided, single submitter. Criteria: Ambry Variant Classification Scheme 2023. Collection method: clinical testing. Allele origin: germline.
Comment: The p.G1442C variant (also known as c.4324G>T), located in coding exon 2 of the ZNF469 gene, results from a G to T substitution at nucleotide position 4324. The glycine at codon 1442 is replaced by cysteine, an amino acid with highly dissimilar properties. This amino acid position is conserved. In addition, this alteration is predicted to be tolerated by in silico analysis. Since supporting evidence is limited at this time, the clinical significance of this alteration remains unclear.

NM_001367624.2(ZNF469):c.4408G>T (p.Gly1470Cys)

Gene: ZNF469 (zinc finger protein 469; plus strand). Cytogenetic location: 16q24.2.
Variant type: single nucleotide variant.
Coding change: c.4408G>T on transcript NM_001367624.2 (MANE Select); coding-DNA position 4408, G replaced by T.
Protein change: p.Gly1470Cys; replaces glycine 1470 with cysteine.
Molecular consequence: missense variant.
Genome position (GRCh38, 1-based): chr16:88,431,878, G>T. VCF-style: chr16-88431878-G-T. GRCh37 (hg19) VCF-style: chr16-88498286-G-T.
Other names: NM_001127464.1:c.4324G>T; short protein forms G1470C.
Identifiers: ClinVar variation 1739723 (VCV001739723.2), dbSNP rs2507587442, ClinGen allele CA397091795.